The following is an entry in ClinVar:

NM_001386298.1(CIC):c.2612T>C (p.Val871Ala)

Gene: CIC (capicua transcriptional repressor; plus strand). Cytogenetic location: 19q13.2.
Variant type: single nucleotide variant.
Coding change: c.2612T>C on transcript NM_001386298.1 (MANE Select); coding-DNA position 2612, T replaced by C.
Protein change: p.Val871Ala; replaces valine 871 with alanine.
Molecular consequence: missense variant.
Genome position (GRCh38, 1-based): chr19:42,274,395, T>C. VCF-style: chr19-42274395-T-C. GRCh37 (hg19) VCF-style: chr19-42778547-T-C.
Other names: c.2612T>C, p.Val871Ala (NM_001304815.2, NM_001379480.1, NM_001379482.1 and 1 more transcripts); c.-10310T>C (NM_015125.5); short protein forms V871A.
Identifiers: ClinVar variation 3049687 (VCV003049687.3), dbSNP rs2513614978, ClinGen allele CA406090151.
Genomic context (GRCh38, chr19:42,274,395, plus strand): 5'-GGGTGGCCAGTGGGAAGCCTGGCCTGCCCCCACCTCTGCCAGCCCCCGTGCCCATCACCG[T>C]GCCTCCAGCTGCACCAACTGCCGTGGCCCAGCCGATGCCCGCCTTTGGCCTGGCTTCTTC-3'
Protein context (NP_001373227.1, residues 861-881): PPLPAPVPIT[Val871Ala]PPAAPTAVAQ

ClinVar aggregate classification (germline): Uncertain significance. Review status: criteria provided, single submitter (1 of 4 stars). 2 submissions from 2 submitters: Uncertain significance (1). 1 of the submissions does not count toward it. Last evaluated 2024-07-03.

Conditions:
CIC-related disorder. Also called: CIC-related condition.

Submissions (2):

Women's Health and Genetics/Laboratory Corporation of America, LabCorp
Classification: Uncertain significance. Last evaluated: 2024-07-03. Review status: criteria provided, single submitter. Criteria: LabCorp Variant Classification Summary - May 2015. Collection method: clinical testing. Allele origin: germline.
Comment: Variant summary: CIC c.-10310T>C is located in the untranscribed region upstream of the CIC gene region. The frequency data for this variant in gnomAD is considered unreliable, as metrics indicate poor data quality at this position. To our knowledge, no occurrence of c.-10310T>C in individuals affected with Mental Retardation, Autosomal Dominant 45 and no experimental evidence demonstrating its impact on protein function have been reported. ClinVar contains an entry for this variant in alternate transcripts under a different cdot name with the variant located in the coding region of the CIC gene (Variation ID: 3049687). Based on the evidence outlined above, the variant was classified as uncertain significance.

PreventionGenetics, part of Exact Sciences
Classification: Uncertain significance for CIC-related condition. Last evaluated: 2023-11-11. Review status: no assertion criteria provided. Collection method: clinical testing. Allele origin: germline. Not counted in ClinVar's aggregate classification.
Comment: The CIC c.2612T>C variant is predicted to result in the amino acid substitution p.Val871Ala. To our knowledge, this variant has not been reported in the literature or in a large population database, indicating this variant is rare. At this time, the clinical significance of this variant is uncertain due to the absence of conclusive functional and genetic evidence.